The following is an entry in ClinVar:

NC_000019.9:g.(?_54297303)_(54304671_?)dup

Gene: NLRP12 (NLR family pyrin domain containing 12; minus strand). Cytogenetic location: 19q13.42.
Variant type: Duplication.
Identifiers: ClinVar variation 2427309 (VCV002427309.4).

ClinVar aggregate classification (germline): Uncertain significance (1 of 4 stars; one submission).

Conditions:
Familial cold autoinflammatory syndrome 2 (FCAS2). Identifiers: Orphanet 247868, MedGen C2673198, MONDO:0012724, OMIM 611762.

Submission:

Labcorp Genetics (formerly Invitae), Labcorp
Classification: Uncertain significance for Familial cold autoinflammatory syndrome 2. Last evaluated: 2023-09-23. Review status: criteria provided, single submitter. Criteria: Invitae Variant Classification Sherloc (09022015). Collection method: clinical testing. Allele origin: germline.
Comment: This variant results in a copy number gain of the genomic region encompassing exon(s) 7-10 of the NLRP12 gene. This region includes the termination codon of the gene. This copy number gain extends beyond the assayed region for this gene and therefore may encompass additional genes. As the precise location of this event is unknown, it may be in tandem or it may be located elsewhere in the genome. This variant has not been reported in the literature in individuals affected with NLRP12-related conditions. Experimental studies and prediction algorithms are not available or were not evaluated, and the functional significance of this variant is currently unknown. In summary, the available evidence is currently insufficient to determine the role of this variant in disease. Therefore, it has been classified as a Variant of Uncertain Significance.